The following is an entry in ClinVar:

NM_005051.3(QARS1):c.96G>T (p.Gln32His)

Genes: QARS1 (glutaminyl-tRNA synthetase 1; minus strand), LOC129936736 (ATAC-STARR-seq lymphoblastoid active region 19853; plus strand). Cytogenetic location: 3p21.31.
Variant type: single nucleotide variant.
Coding change: c.96G>T on transcript NM_005051.3 (MANE Select); coding-DNA position 96, G replaced by T.
Protein change: p.Gln32His; replaces glutamine 32 with histidine.
Molecular consequence: missense variant. On other transcripts: non-coding transcript variant (1).
Genome position (GRCh38, 1-based): chr3:49,104,638, C>A on the plus strand (G>T on the coding strand, the complement: QARS1 is on the minus strand). VCF-style: chr3-49104638-C-A. GRCh37 (hg19) VCF-style: chr3-49142071-C-A.
Other names: c.96G>T, p.Gln32His (NM_001272073.2); short protein forms Q32H.
Identifiers: ClinVar variation 1359469 (VCV001359469.8), dbSNP rs201606430, ClinGen allele CA2392325.
Genomic context (GRCh38, chr3:49,104,638, plus strand): 5'-ATGGTCTGCAAACCAGGCCGGGGGCAGAGGGGCTCGCACCTGAGTAGCGGCCTCGCGCAG[C>A]TGCGCGCTCAGAGCCGAGTTCTTGAGCGTCTCGCGGGCCTTCTGCTCGCTCAGGCCGAGG-3'
Protein context (NP_005042.1, residues 22-42): ETLKNSALSA[Gln32His]LREAATQAQQ

ClinVar aggregate classification (germline): Uncertain significance (1 of 4 stars; one submission).

Conditions:
Diffuse cerebral and cerebellar atrophy - intractable seizures - progressive microcephaly syndrome. Also called: Microcephaly, progressive, with seizures and cerebral and cerebellar atrophy. Identifiers: Orphanet 404437, MedGen C4014239, MONDO:0014335, OMIM 615760.

gnomAD v4.1: 8 of 1,606,070 alleles (0.0005%); highest among the groups gnomAD compares: Non-Finnish European, 0.00068%; no homozygotes.

Submission:

Labcorp Genetics (formerly Invitae), Labcorp
Classification: Uncertain significance for Diffuse cerebral and cerebellar atrophy - intractable seizures - progressive microcephaly syndrome. Last evaluated: 2022-06-11. Review status: criteria provided, single submitter. Criteria: Invitae Variant Classification Sherloc (09022015). Collection method: clinical testing. Allele origin: germline.
Comment: In summary, the available evidence is currently insufficient to determine the role of this variant in disease. Therefore, it has been classified as a Variant of Uncertain Significance. Algorithms developed to predict the effect of missense changes on protein structure and function are either unavailable or do not agree on the potential impact of this missense change (SIFT: "Tolerated"; PolyPhen-2: "Not Available"; Align-GVGD: "Class C0"). This variant has not been reported in the literature in individuals affected with QARS-related conditions. This variant is present in population databases (rs201606430, gnomAD 0.003%). This sequence change replaces glutamine, which is neutral and polar, with histidine, which is basic and polar, at codon 32 of the QARS protein (p.Gln32His).